The following is an entry in ClinVar:

NM_006941.4(SOX10):c.849C>T (p.His283=)

Genes: POLR2F (RNA polymerase II, I and III subunit F; plus strand), SOX10 (SRY-box transcription factor 10; minus strand). Cytogenetic location: 22q13.1.
Variant type: single nucleotide variant.
Coding change: c.849C>T on transcript NM_006941.4 (MANE Select); coding-DNA position 849, C replaced by T.
Protein change: p.His283=; no amino-acid change (histidine 283 retained).
Molecular consequence: synonymous variant. On other transcripts: intron variant (3).
Genome position (GRCh38, 1-based): chr22:37,974,047, G>A on the plus strand (C>T on the coding strand, the complement: SOX10 is on the minus strand). VCF-style: chr22-37974047-G-A. GRCh37 (hg19) VCF-style: chr22-38370054-G-A.
Other names: c.*38+1737G>A (NM_001363825.1); c.293+6877G>A (NM_001301130.2, NM_001301131.2).
Identifiers: ClinVar variation 666759 (VCV000666759.6), dbSNP rs773196371, ClinGen allele CA10228574.
Genomic context (GRCh38, chr22:37,974,047, plus strand): 5'-GGGCGGCAGGTACTGGTCCAACTCAGCCACATCAAAGGTCTCCATGTTGGACATTACCTC[G>A]TGGCTGATCTCACCAATGTCCACGTTGCCGAAGTCGATGTGAGGCTTCCCGCCCTCCCCC-3'
Protein context (NP_008872.1, residues 273-293): FGNVDIGEIS[His283=]EVMSNMETFD

ClinVar aggregate classification (germline): Likely benign. Review status: criteria provided, multiple submitters, no conflicts (2 of 4 stars). 2 submissions from 2 submitters: Likely benign (2). Last evaluated 2018-08-14.

Allele frequency attached by ClinVar (database versions not stated): gnomAD exomes below 0.00001 and 0.00001; TOPMed 0.00002; ExAC 0.00002.
gnomAD v4.1: 4 of 1,614,020 alleles (0.00025%); highest among the groups gnomAD compares: East Asian, 0.0022%; no homozygotes.

Submissions (2):

Blueprint Genetics
Classification: Likely benign. Last evaluated: 2018-08-14. Review status: criteria provided, single submitter. Criteria: ACMG Guidelines, 2015. Collection method: clinical testing. Allele origin: germline.

Laboratory for Molecular Medicine, Mass General Brigham Personalized Medicine
Classification: Likely benign. Last evaluated: 2017-08-23. Review status: criteria provided, single submitter. Criteria: LMM Criteria. Collection method: clinical testing. Allele origin: germline. Observed: 1 variant allele.
Comment: p.His283His in exon 4 of SOX10: This variant is not expected to have clinical si gnificance because it does not alter an amino acid residue and is not located wi thin the splice consensus sequence. It has been identified in 1/8644 East Asian chromosomes by the Exome Aggregation Consortium (ExAC; dbSNP rs773196371).